The following is an entry in ClinVar:

NM_002439.5(MSH3):c.3276G>C (p.Glu1092Asp)

Gene: MSH3 (mutS homolog 3; plus strand). Cytogenetic location: 5q14.1.
Variant type: single nucleotide variant.
Coding change: c.3276G>C on transcript NM_002439.5 (MANE Select); coding-DNA position 3276, G replaced by C.
Protein change: p.Glu1092Asp; replaces glutamic acid 1092 with aspartic acid.
Molecular consequence: missense variant.
Genome position (GRCh38, 1-based): chr5:80,873,261, G>C. VCF-style: chr5-80873261-G-C. GRCh37 (hg19) VCF-style: chr5-80169080-G-C.
Other names: short protein forms E1092D.
Identifiers: ClinVar variation 3296261 (VCV003296261.1).

ClinVar aggregate classification (germline): Uncertain significance (1 of 4 stars; one submission).

Conditions:
Hereditary cancer-predisposing syndrome. Also called: Tumor predisposition; Hereditary Cancer Syndrome; Hereditary neoplastic syndrome; Neoplastic Syndromes, Hereditary. Identifiers: Orphanet 140162, MedGen C0027672, MeSH D009386, MONDO:0015356.

Submission:

Ambry Genetics
Classification: Uncertain significance for Hereditary cancer-predisposing syndrome. Last evaluated: 2024-03-21. Review status: criteria provided, single submitter. Criteria: Ambry Variant Classification Scheme 2023. Collection method: clinical testing. Allele origin: germline.
Comment: The p.E1092D variant (also known as c.3276G>C), located in coding exon 23 of the MSH3 gene, results from a G to C substitution at nucleotide position 3276. The glutamic acid at codon 1092 is replaced by aspartic acid, an amino acid with highly similar properties. This amino acid position is conserved. In addition, this alteration is predicted to be tolerated by in silico analysis. Based on the available evidence, the clinical significance of this alteration remains unclear.